The following is an entry in ClinVar:

ClinVar aggregate classification (germline): Uncertain significance (1 of 4 stars; one submission).

gnomAD v4.1: 1 of 1,506,758 alleles (0.000066%); highest among the groups gnomAD compares: Middle Eastern, 0.017%; no homozygotes.

Submission:

Labcorp Genetics (formerly Invitae), Labcorp
Classification: Uncertain significance. Last evaluated: 2021-08-18. Review status: criteria provided, single submitter. Criteria: Invitae Variant Classification Sherloc (09022015). Collection method: clinical testing. Allele origin: germline.
Comment: In summary, the available evidence is currently insufficient to determine the role of this variant in disease. Therefore, it has been classified as a Variant of Uncertain Significance. This variant has not been reported in the literature in individuals affected with ARMC9-related conditions. The frequency data for this variant in the population databases is considered unreliable, as metrics indicate insufficient coverage at this position in the ExAC database. This sequence change replaces glutamic acid with valine at codon 755 of the ARMC9 protein (p.Glu755Val). The glutamic acid residue is weakly conserved and there is a moderate physicochemical difference between glutamic acid and valine.

NM_001352754.2(ARMC9):c.2264A>T (p.Glu755Val)

Gene: ARMC9 (armadillo repeat containing 9; plus strand). Cytogenetic location: 2q37.1.
Variant type: single nucleotide variant.
Coding change: c.2264A>T on transcript NM_001352754.2 (MANE Select); coding-DNA position 2264, A replaced by T.
Protein change: p.Glu755Val; replaces glutamic acid 755 with valine.
Molecular consequence: missense variant.
Genome position (GRCh38, 1-based): chr2:231,369,955, A>T. VCF-style: chr2-231369955-A-T. GRCh37 (hg19) VCF-style: chr2-232234666-A-T.
Other names: c.2264A>T, p.Glu755Val (NM_001271466.4); short protein forms E755V.
Identifiers: ClinVar variation 1450901 (VCV001450901.6), dbSNP rs2125600425, ClinGen allele CA350959231.